The following is an entry in ClinVar:

NM_000122.2(ERCC3):c.1079G>A (p.Arg360His)

Gene: ERCC3 (ERCC excision repair 3, TFIIH core complex helicase subunit; minus strand). Cytogenetic location: 2q14.3.
Variant type: single nucleotide variant.
Coding change: c.1079G>A on transcript NM_000122.2 (MANE Select); coding-DNA position 1079, G replaced by A.
Protein change: p.Arg360His; replaces arginine 360 with histidine.
Molecular consequence: missense variant.
Genome position (GRCh38, 1-based): chr2:127,286,966, C>T on the plus strand (G>A on the coding strand, the complement: ERCC3 is on the minus strand). VCF-style: chr2-127286966-C-T. GRCh37 (hg19) VCF-style: chr2-128044542-C-T.
Other names: c.887G>A, p.Arg296His (NM_001303416.2, NM_001303418.2); c.1079G>A (NM_000122.1); short protein forms R296H, R360H.
Identifiers: ClinVar variation 1395194 (VCV001395194.7), dbSNP rs764062606, ClinGen allele CA1858358.

ClinVar aggregate classification (germline): Conflicting classifications of pathogenicity. Review status: criteria provided, conflicting classifications (1 of 4 stars). 2 submissions from 2 submitters: Uncertain significance (1); Benign (1). Last evaluated 2022-01-13.

Conditions:
Ovarian cancer. Also called: OVARIAN CANCER, SOMATIC. Identifiers: Orphanet 213500, MedGen C1140680, MONDO:0008170, OMIM 167000.

Allele frequency attached by ClinVar (database versions not stated): gnomAD 0.00001; gnomAD exomes 0.00001; TOPMed 0.00003; ExAC 0.00002.
gnomAD v4.1: 6 of 1,613,878 alleles (0.00037%); highest among the groups gnomAD compares: South Asian, 0.0022%; no homozygotes.

Submissions (2):

Labcorp Genetics (formerly Invitae), Labcorp
Classification: Uncertain significance. Last evaluated: 2022-01-13. Review status: criteria provided, single submitter. Criteria: Invitae Variant Classification Sherloc (09022015). Collection method: clinical testing. Allele origin: germline.
Comment: In summary, the available evidence is currently insufficient to determine the role of this variant in disease. Therefore, it has been classified as a Variant of Uncertain Significance. Algorithms developed to predict the effect of missense changes on protein structure and function are either unavailable or do not agree on the potential impact of this missense change (SIFT: "Deleterious"; PolyPhen-2: "Probably Damaging"; Align-GVGD: "Class C0"). This variant has not been reported in the literature in individuals affected with ERCC3-related conditions. This variant is present in population databases (rs764062606, gnomAD 0.006%). This sequence change replaces arginine, which is basic and polar, with histidine, which is basic and polar, at codon 360 of the ERCC3 protein (p.Arg360His).

Laboratory of Molecular Epidemiology of Birth Defects, West China Second University Hospital, Sichuan University
Classification: Benign for Ovarian cancer. Last evaluated: 2022-01-01. Review status: criteria provided, single submitter. Criteria: ACMG Guidelines, 2015. Collection method: clinical testing. Allele origin: germline. Affected: yes.